The following is an entry in ClinVar:

NM_001165963.4(SCN1A):c.5709T>A (p.Tyr1903Ter)

Genes: SCN1A (sodium voltage-gated channel alpha subunit 1; minus strand), LOC102724058 (uncharacterized LOC102724058; plus strand). Cytogenetic location: 2q24.3.
Variant type: single nucleotide variant.
Coding change: c.5709T>A on transcript NM_001165963.4 (MANE Select); coding-DNA position 5709, T replaced by A.
Protein change: p.Tyr1903Ter; replaces tyrosine 1903 with a stop codon.
Molecular consequence: nonsense. On other transcripts: non-coding transcript variant (1).
Genome position (GRCh38, 1-based): chr2:165,991,566, A>T on the plus strand (T>A on the coding strand, the complement: SCN1A is on the minus strand). VCF-style: chr2-165991566-A-T. GRCh37 (hg19) VCF-style: chr2-166848076-A-T.
Other names: c.5676T>A, p.Tyr1892Ter (NM_001353952.2, NM_006920.6, NM_001353949.2 and 2 more transcripts); c.5673T>A, p.Tyr1891Ter (NM_001353954.2, NM_001353955.2); c.5625T>A, p.Tyr1875Ter (NM_001353957.2, NM_001353958.2, NM_001165964.3); c.5622T>A, p.Tyr1874Ter (NM_001353960.2); c.3267T>A, p.Tyr1089Ter (NM_001353961.2); c.5709T>A, p.Tyr1903Ter (NM_001202435.3, NM_001353948.2); short protein forms Y1903*, Y1891*, Y1892*, Y1874*, Y1875*, Y1089*.
Identifiers: ClinVar variation 2022884 (VCV002022884.4), dbSNP rs2468327594, ClinGen allele CA349064602.
Genomic context (GRCh38, chr2:165,991,566, plus strand): 5'-CTGAATAATGACAGCAGATACTTCCTCTTGTTTTCGTTTTAAAGTAGTAGTGATTGGCTG[A>T]TAGGAGACCTTGGAAGGATTGGAAGCCATGAATCGCTCTTCCATCTGTATTCGTAGAGCA-3'

ClinVar aggregate classification (germline): Pathogenic (1 of 4 stars; one submission).

Conditions:
Early-infantile DEE. Also called: Ohtahara syndrome; Early infantile epileptic encephalopathy with suppression bursts; Early infantile epileptic encephalopathy. Identifiers: Orphanet 1934, MedGen C0393706, MONDO:0800491.

Submission:

Labcorp Genetics (formerly Invitae), Labcorp
Classification: Pathogenic for Early-infantile DEE. Last evaluated: 2022-08-08. Review status: criteria provided, single submitter. Criteria: Invitae Variant Classification Sherloc (09022015). Collection method: clinical testing. Allele origin: germline.
Comment: This variant is not present in population databases (gnomAD no frequency). This sequence change creates a premature translational stop signal (p.Tyr1903*) in the SCN1A gene. While this is not anticipated to result in nonsense mediated decay, it is expected to disrupt the last 107 amino acid(s) of the SCN1A protein. This variant has not been reported in the literature in individuals affected with SCN1A-related conditions. For these reasons, this variant has been classified as Pathogenic. This variant disrupts a region of the SCN1A protein in which other variant(s) (p.Arg1927_Arg1928delinsSerGly) have been determined to be pathogenic (Invitae). This suggests that this is a clinically significant region of the protein, and that variants that disrupt it are likely to be disease-causing.